The following is an entry in ClinVar:

NM_001407.3(CELSR3):c.9827C>T (p.Pro3276Leu)

Gene: CELSR3 (cadherin EGF LAG seven-pass G-type receptor 3; minus strand). Cytogenetic location: 3p21.31.
Variant type: single nucleotide variant.
Coding change: c.9827C>T on transcript NM_001407.3 (MANE Select); coding-DNA position 9827, C replaced by T.
Protein change: p.Pro3276Leu; replaces proline 3276 with leucine.
Molecular consequence: missense variant.
Genome position (GRCh38, 1-based): chr3:48,639,758, G>A on the plus strand (C>T on the coding strand, the complement: CELSR3 is on the minus strand). VCF-style: chr3-48639758-G-A. GRCh37 (hg19) VCF-style: chr3-48677191-G-A.
Other names: short protein forms P3276L.
Identifiers: ClinVar variation 770700 (VCV000770700.30), dbSNP rs61729242, ClinGen allele CA2383456.

ClinVar aggregate classification (germline): Benign. Review status: criteria provided, multiple submitters, no conflicts (2 of 4 stars). 4 submissions from 4 submitters: Benign (3). 1 of the submissions does not count toward it. Last evaluated 2026-09-01.

Conditions:
CELSR3-related disorder. Also called: CELSR3-related condition.

Allele frequency attached by ClinVar (database versions not stated): gnomAD 0.00612 and 0.00617; ESP Exome Variant Server 0.00623; TOPMed 0.00673; ExAC 0.00749; 1000 Genomes Project 0.00359; 1000 Genomes Project 30x 0.00437.
gnomAD v4.1: 12,447 of 1,613,788 alleles (0.77%); highest among the groups gnomAD compares: Middle Eastern, 3.8%; 91 homozygotes.

Submissions (4):

CeGaT Center for Human Genetics Tuebingen
Classification: Benign. Last evaluated: 2026-09-01. Review status: criteria provided, single submitter. Criteria: CeGaT Center For Human Genetics Tuebingen Variant Classification Criteria Version 2. Collection method: clinical testing. Allele origin: germline. Affected: yes. Observed: 3 variant alleles.
Comment: CELSR3: BS1, BS2

Labcorp Genetics (formerly Invitae), Labcorp
Classification: Benign. Last evaluated: 2019-12-31. Review status: criteria provided, single submitter. Criteria: Invitae Variant Classification Sherloc (09022015). Collection method: clinical testing. Allele origin: germline.

Breakthrough Genomics
Classification: Benign. Review status: criteria provided, single submitter. Criteria: ACMG Guidelines, 2015. Collection method: not provided. Allele origin: germline. Inheritance: Unknown mechanism. Affected: yes.

PreventionGenetics, part of Exact Sciences
Classification: Benign for CELSR3-related condition. Last evaluated: 2019-05-08. Review status: no assertion criteria provided. Collection method: clinical testing. Allele origin: germline. Not counted in ClinVar's aggregate classification.
Comment: This variant is classified as benign based on ACMG/AMP sequence variant interpretation guidelines (Richards et al. 2015 PMID: 25741868, with internal and published modifications).